The following is an entry in ClinVar:

NM_005529.7(HSPG2):c.7978A>G (p.Ile2660Val)

Gene: HSPG2 (heparan sulfate proteoglycan 2; minus strand). Cytogenetic location: 1p36.12.
Variant type: single nucleotide variant.
Coding change: c.7978A>G on transcript NM_005529.7 (MANE Select); coding-DNA position 7978, A replaced by G.
Protein change: p.Ile2660Val; replaces isoleucine 2660 with valine.
Molecular consequence: missense variant.
Genome position (GRCh38, 1-based): chr1:21,847,736, T>C on the plus strand (A>G on the coding strand, the complement: HSPG2 is on the minus strand). VCF-style: chr1-21847736-T-C. GRCh37 (hg19) VCF-style: chr1-22174229-T-C.
Other names: c.7981A>G, p.Ile2661Val (NM_001291860.2); short protein forms I2660V, I2661V.
Identifiers: ClinVar variation 3361065 (VCV003361065.1).

ClinVar aggregate classification (germline): Uncertain significance (1 of 4 stars; one submission).

gnomAD v4.1: 83 of 1,612,612 alleles (0.0051%); highest among the groups gnomAD compares: Non-Finnish European, 0.0068%; no homozygotes.

Submission:

GeneDx
Classification: Uncertain significance. Last evaluated: 2023-07-12. Review status: criteria provided, single submitter. Criteria: GeneDx Variant Classification Process June 2021. Collection method: clinical testing. Allele origin: germline. Affected: yes.
Comment: Not observed at significant frequency in large population cohorts (gnomAD); In silico analysis supports that this missense variant does not alter protein structure/function; Has not been previously published as pathogenic or benign to our knowledge